The following is an entry in ClinVar:

ClinVar aggregate classification (germline): Pathogenic. Review status: criteria provided, multiple submitters, no conflicts (2 of 4 stars). 2 submissions from 2 submitters: Pathogenic (2). Last evaluated 2026-10-07.

Conditions:
Febrile seizures, familial, 8 (FEB8). Also called: CONVULSIONS, FAMILIAL FEBRILE, 8. Identifiers: Orphanet 36387, MedGen C1969810, MONDO:0011891, OMIM 607681.
EPILEPSY, CHILDHOOD ABSENCE, SUSCEPTIBILITY TO, 2 (ECA2). Identifiers: Orphanet 64280, MedGen C1843244, OMIM 607681.

Submissions (2):

GeneDx
Classification: Pathogenic. Last evaluated: 2026-10-07. Review status: criteria provided, single submitter. Criteria: GeneDx Variant Classification Process June 2021. Collection method: clinical testing. Allele origin: germline.
Comment: Identified in two siblings with generalized epilepsy who also harbored a second GABRA5 variant and in an individual with febrile and absence seizures (PMID: 30033060, 35627257); Frameshift variant predicted to result in protein truncation or nonsense mediated decay in a gene for which loss of function is a known mechanism of disease; Not observed at significant frequency in large population cohorts (gnomAD); This variant is associated with the following publications: (PMID: 35627257, 30033060)

Labcorp Genetics (formerly Invitae), Labcorp
Classification: Pathogenic for Febrile seizures, familial, 8; EPILEPSY, CHILDHOOD ABSENCE, SUSCEPTIBILITY TO, 2. Last evaluated: 2023-11-06. Review status: criteria provided, single submitter. Criteria: Invitae Variant Classification Sherloc (09022015). Collection method: clinical testing. Allele origin: germline.
Comment: This sequence change creates a premature translational stop signal (p.Phe151Serfs*19) in the GABRG2 gene. It is expected to result in an absent or disrupted protein product. Loss-of-function variants in GABRG2 are known to be pathogenic (PMID: 22539854, 22750526, 24407264). This variant is not present in population databases (gnomAD no frequency). This premature translational stop signal has been observed in individual(s) with seizures (PMID: 35627257). ClinVar contains an entry for this variant (Variation ID: 2507179). For these reasons, this variant has been classified as Pathogenic.

Literature cited by the submitters: PubMed 22539854 (cited by Labcorp Genetics (formerly Invitae), Labcorp); PubMed 22750526 (cited by Labcorp Genetics (formerly Invitae), Labcorp); PubMed 24407264 (cited by Labcorp Genetics (formerly Invitae), Labcorp); PubMed 35627257 (cited by Labcorp Genetics (formerly Invitae), Labcorp).

NM_198904.4(GABRG2):c.452_455del (p.Phe151fs)

Gene: GABRG2 (gamma-aminobutyric acid type A receptor subunit gamma2; plus strand). Cytogenetic location: 5q34.
Variant type: Deletion.
Coding change: c.452_455del on transcript NM_198904.4 (MANE Select); coding-DNA positions 452 to 455, 4 bases deleted (TCTT; older notation c.452_455delTCTT).
Protein change: p.Phe151fs; shifts the reading frame from phenylalanine 151.
Molecular consequence: frameshift variant.
Genome position (GRCh38, 1-based): chr5:162,097,762-162,097,765, TCTT deleted; deleting any 4 consecutive bases within chr5:162,097,759-162,097,765 gives the same sequence; the c. name uses the placement nearest the transcript's 3' end. VCF-style (leftmost placement, unchanged base first): chr5-162097758-ACTTT-A. GRCh37 (hg19) VCF-style: chr5-161524764-ACTTT-A.
Other names: c.32_35del, p.Phe11fs (NM_001375350.1, NM_001375348.1); c.452_455del, p.Phe151fs (NM_198903.2, NM_000816.3, NM_001375340.1 and 4 more transcripts); c.443_446del, p.Phe148fs (NM_001375339.1); c.386_389del, p.Phe129fs (NM_001375345.1, NM_001375346.1); c.365_368del, p.Phe122fs (NM_001375347.1); c.167_170del, p.Phe56fs (NM_001375349.1); short protein forms F11fs, F122fs, F129fs, F148fs, F151fs, F56fs.
Identifiers: ClinVar variation 2507179 (VCV002507179.7), dbSNP rs2532569089, ClinGen allele CA2580614789.